The following is an entry in ClinVar:

NC_000001.10:g.(?_161293394)_(161332233_?)dup

Gene: SDHC (succinate dehydrogenase complex subunit C; plus strand). Cytogenetic location: 1q23.3.
Variant type: Duplication.
Identifiers: ClinVar variation 665034 (VCV000665034.2).

ClinVar aggregate classification (germline): Uncertain significance (1 of 4 stars; one submission).

Conditions:
Pheochromocytoma/paraganglioma syndrome 3. Also called: SDHC-Related Hereditary Paraganglioma-Pheochromocytoma Syndrome (Paragangliomas 3); SDHC-Related Hereditary Paraganglioma-Pheochromocytoma Syndrome; GLOMUS TUMORS, FAMILIAL, 3; Paragangliomas 3. Identifiers: Orphanet 29072, MedGen C1854336, MONDO:0011544, OMIM 605373.
Gastrointestinal stromal tumor. Also called: Gastrointestinal stromal tumor, somatic; Gastrointestinal stroma tumor. Identifiers: Orphanet 44890, MedGen C0238198, MeSH D046152, MONDO:0011719, OMIM 606764, HP:0100723.

Submission:

Labcorp Genetics (formerly Invitae), Labcorp
Classification: Uncertain significance for Paragangliomas 3; Gastrointestinal stroma tumor. Last evaluated: 2019-12-08. Review status: criteria provided, single submitter. Criteria: Invitae Variant Classification Sherloc (09022015). Collection method: clinical testing. Allele origin: germline.
Comment: This variant is a gross duplication of the genomic region encompassing exons 2-6 of the SDHC gene. The 5' boundary is likely confined to intron 1. The 3' end of this event is unknown as it extends beyond the assayed region for this gene and therefore may encompass additional genes. The exact location of this variant in the genome is unknown. This variant has not been reported in the literature in individuals with SDHC-related disease. In summary, the available evidence is currently insufficient to determine the role of this variant in disease. Therefore, it has been classified as a Variant of Uncertain Significance.